The following is an entry in ClinVar:

NM_000465.4(BARD1):c.215G>T (p.Ser72Ile)

Gene: BARD1 (BRCA1 associated RING domain 1; minus strand). Cytogenetic location: 2q35.
Variant type: single nucleotide variant.
Coding change: c.215G>T on transcript NM_000465.4 (MANE Select); coding-DNA position 215, G replaced by T.
Protein change: p.Ser72Ile; replaces serine 72 with isoleucine.
Molecular consequence: missense variant. On other transcripts: non-coding transcript variant (2), intron variant (2).
Genome position (GRCh38, 1-based): chr2:214,797,061, C>A on the plus strand (G>T on the coding strand, the complement: BARD1 is on the minus strand). VCF-style: chr2-214797061-C-A. GRCh37 (hg19) VCF-style: chr2-215661785-C-A.
Other names: c.215G>T, p.Ser72Ile (NM_001282545.2, NM_001282549.2); c.158+12351G>T (NM_001282548.2); c.159-4616G>T (NM_001282543.2); short protein forms S72I.
Identifiers: ClinVar variation 1524687 (VCV001524687.9), dbSNP rs769820924, ClinGen allele CA350462121.

ClinVar aggregate classification (germline): Uncertain significance (1 of 4 stars; one submission).

Conditions:
Familial cancer of breast. Also called: BREAST CANCER, FAMILIAL; hereditary breast carcinoma; Hereditary breast cancer. Identifiers: Orphanet 227535, MedGen C0346153, MONDO:0016419, OMIM 114480. Disease mechanism: loss of function.

gnomAD v4.1: 1 of 1,609,588 alleles (0.000062%); highest among the groups gnomAD compares: Non-Finnish European, 0.000085%; no homozygotes.

Submission:

Labcorp Genetics (formerly Invitae), Labcorp
Classification: Uncertain significance for Familial cancer of breast. Last evaluated: 2020-11-03. Review status: criteria provided, single submitter. Criteria: Invitae Variant Classification Sherloc (09022015). Collection method: clinical testing. Allele origin: germline.
Comment: Algorithms developed to predict the effect of missense changes on protein structure and function are either unavailable or do not agree on the potential impact of this missense change (SIFT: "Tolerated"; PolyPhen-2: "Possibly Damaging"; Align-GVGD: "Class C0"). In summary, the available evidence is currently insufficient to determine the role of this variant in disease. Therefore, it has been classified as a Variant of Uncertain Significance. Nucleotide substitutions within the consensus splice site are a relatively common cause of aberrant splicing (PMID: 17576681, 9536098). Algorithms developed to predict the effect of sequence changes on RNA splicing suggest that this variant may disrupt the consensus splice site, but this prediction has not been confirmed by published transcriptional studies. This variant has not been reported in the literature in individuals with BARD1-related conditions. This variant is not present in population databases (ExAC no frequency). This sequence change replaces serine with isoleucine at codon 72 of the BARD1 protein (p.Ser72Ile). The serine residue is moderately conserved and there is a large physicochemical difference between serine and isoleucine. This variant also falls at the last nucleotide of exon 2, which is part of the consensus splice site for this exon.

Literature cited by the submitters: PubMed 17576681; PubMed 9536098.